The following is an entry in ClinVar:

NM_000384.3(APOB):c.82+6T>G

Genes: APOB (apolipoprotein B; minus strand), LOC106560211 (APOB 5' regulatory region; plus strand). Cytogenetic location: 2p24.1.
Variant type: single nucleotide variant.
Coding change: c.82+6T>G on transcript NM_000384.3 (MANE Select); 6 bases into the intron after coding-DNA position 82, T replaced by G.
Molecular consequence: intron variant.
Genome position (GRCh38, 1-based): chr2:21,043,858, A>C on the plus strand (T>G on the coding strand, the complement: APOB is on the minus strand). VCF-style: chr2-21043858-A-C. GRCh37 (hg19) VCF-style: chr2-21266730-A-C.
Identifiers: ClinVar variation 1374170 (VCV001374170.4), dbSNP rs747089573, ClinGen allele CA065481.

ClinVar aggregate classification (germline): Uncertain significance (1 of 4 stars; one submission).

Conditions:
Familial hypobetalipoproteinemia 1. Also called: APOB-Related Familial Hypobetalipoproteinemia; Hypobetalipoproteinemia, normotriglyceridemic; Acanthocytosis with hypobetalipoproteinemia. Identifiers: MedGen C4551990, MONDO:0014252, OMIM 615558.
Hypercholesterolemia, autosomal dominant, type B (FHCL2). Also called: Familial Hypercholesterolemia Type B; APOLIPOPROTEIN B-100, FAMILIAL DEFECTIVE; APOLIPOPROTEIN B-100, FAMILIAL LIGAND-DEFECTIVE; HYPERCHOLESTEROLEMIA, FAMILIAL, DUE TO LIGAND-DEFECTIVE APOLIPOPROTEIN B; APOB-Related Familial Hypercholesterolemia, Autosomal Dominant; Familial hypercholesterolemia 2. Identifiers: MedGen C1704417, MONDO:0007751, OMIM 144010.

Allele frequency attached by ClinVar (database versions not stated): gnomAD exomes 0.00005; TOPMed 0.00006; ExAC 0.00010; gnomAD 0.00004.
gnomAD v4.1: 27 of 1,520,478 alleles (0.0018%); highest among the groups gnomAD compares: Middle Eastern, 0.021%; no homozygotes.

Submission:

Labcorp Genetics (formerly Invitae), Labcorp
Classification: Uncertain significance for Familial hypobetalipoproteinemia 1; Hypercholesterolemia, autosomal dominant, type B. Last evaluated: 2026-01-14. Review status: criteria provided, single submitter. Criteria: Invitae Variant Classification Sherloc (09022015). Collection method: clinical testing. Allele origin: germline.
Comment: This sequence change falls in intron 1 of the APOB gene. It does not directly change the encoded amino acid sequence of the APOB protein. It affects a nucleotide within the consensus splice site. This variant is present in population databases (rs747089573, gnomAD 0.009%). This variant has not been reported in the literature in individuals affected with APOB-related conditions. ClinVar contains an entry for this variant (Variation ID: 1374170). Variants that disrupt the consensus splice site are a relatively common cause of aberrant splicing (PMID: 17576681, 9536098). Algorithms developed to predict the effect of sequence changes on RNA splicing suggest that this variant may disrupt the consensus splice site. In summary, the available evidence is currently insufficient to determine the role of this variant in disease. Therefore, it has been classified as a Variant of Uncertain Significance.

Literature cited by the submitters: PubMed 17576681; PubMed 9536098.